The following is an entry in ClinVar:

ClinVar aggregate classification (germline): Uncertain significance (1 of 4 stars; one submission).

Allele frequency attached by ClinVar (database versions not stated): gnomAD 0.00005; ExAC 0.00060.
gnomAD v4.1: 82 of 1,541,802 alleles (0.0053%); highest among the groups gnomAD compares: South Asian, 0.091%; 2 homozygotes.

Submission:

Labcorp Genetics (formerly Invitae), Labcorp
Classification: Uncertain significance. Last evaluated: 2022-07-19. Review status: criteria provided, single submitter. Criteria: Invitae Variant Classification Sherloc (09022015). Collection method: clinical testing. Allele origin: germline.
Comment: This variant is present in population databases (rs779269166, gnomAD 0.07%), including at least one homozygous and/or hemizygous individual. In summary, the available evidence is currently insufficient to determine the role of this variant in disease. Therefore, it has been classified as a Variant of Uncertain Significance. Advanced modeling of protein sequence and biophysical properties (such as structural, functional, and spatial information, amino acid conservation, physicochemical variation, residue mobility, and thermodynamic stability) performed at Invitae indicates that this missense variant is expected to disrupt PDX1 protein function. This variant has not been reported in the literature in individuals affected with PDX1-related conditions. This sequence change replaces proline, which is neutral and non-polar, with serine, which is neutral and polar, at codon 62 of the PDX1 protein (p.Pro62Ser).

NM_000209.4(PDX1):c.184C>T (p.Pro62Ser)

Gene: PDX1 (pancreatic and duodenal homeobox 1; plus strand). Cytogenetic location: 13q12.2.
Variant type: single nucleotide variant.
Coding change: c.184C>T on transcript NM_000209.4 (MANE Select); coding-DNA position 184, C replaced by T.
Protein change: p.Pro62Ser; replaces proline 62 with serine.
Molecular consequence: missense variant.
Genome position (GRCh38, 1-based): chr13:27,920,322, C>T. VCF-style: chr13-27920322-C-T. GRCh37 (hg19) VCF-style: chr13-28494459-C-T.
Other names: short protein forms P62S.
Identifiers: ClinVar variation 2086897 (VCV002086897.4), dbSNP rs779269166, ClinGen allele CA6927588.